The following is an entry in ClinVar:

NM_003239.5(TGFB3):c.550C>T (p.Arg184Cys)

Gene: TGFB3 (transforming growth factor beta 3; minus strand). Cytogenetic location: 14q24.3.
Variant type: single nucleotide variant.
Coding change: c.550C>T on transcript NM_003239.5 (MANE Select); coding-DNA position 550, C replaced by T.
Protein change: p.Arg184Cys; replaces arginine 184 with cysteine.
Molecular consequence: missense variant.
Genome position (GRCh38, 1-based): chr14:75,971,222, G>A on the plus strand (C>T on the coding strand, the complement: TGFB3 is on the minus strand). VCF-style: chr14-75971222-G-A. GRCh37 (hg19) VCF-style: chr14-76437565-G-A.
Other names: c.550C>T, p.Arg184Cys (NM_001329938.2, NM_001329939.2); short protein forms R184C.
Identifiers: ClinVar variation 643610 (VCV000643610.12), dbSNP rs767125999, ClinGen allele CA7280406.

ClinVar aggregate classification (germline): Uncertain significance. Review status: criteria provided, multiple submitters, no conflicts (2 of 4 stars). 2 submissions from 2 submitters: Uncertain significance (2). Last evaluated 2026-01-27.

Conditions:
Rienhoff syndrome. Also called: LOEYS-DIETZ SYNDROME 5. Identifiers: MedGen C3810012, MONDO:0014262, OMIM 615582.

Allele frequency attached by ClinVar (database versions not stated): gnomAD exomes below 0.00001 and 0.00001; ExAC 0.00002.
gnomAD v4.1: 5 of 1,614,158 alleles (0.00031%); highest among the groups gnomAD compares: East Asian, 0.0022%; no homozygotes.

Submissions (2):

Labcorp Genetics (formerly Invitae), Labcorp
Classification: Uncertain significance for Rienhoff syndrome. Last evaluated: 2026-01-27. Review status: criteria provided, single submitter. Criteria: Invitae Variant Classification Sherloc (09022015). Collection method: clinical testing. Allele origin: germline.
Comment: This sequence change replaces arginine, which is basic and polar, with cysteine, which is neutral and slightly polar, at codon 184 of the TGFB3 protein (p.Arg184Cys). This variant is present in population databases (rs767125999, gnomAD 0.006%). This variant has not been reported in the literature in individuals affected with TGFB3-related conditions. ClinVar contains an entry for this variant (Variation ID: 643610). Invitae Evidence Modeling of protein sequence and biophysical properties (such as structural, functional, and spatial information, amino acid conservation, physicochemical variation, residue mobility, and thermodynamic stability) indicates that this missense variant is expected to disrupt TGFB3 protein function with a positive predictive value of 80%. In summary, the available evidence is currently insufficient to determine the role of this variant in disease. Therefore, it has been classified as a Variant of Uncertain Significance.

GeneDx
Classification: Uncertain significance. Last evaluated: 2024-02-23. Review status: criteria provided, single submitter. Criteria: GeneDx Variant Classification Process June 2021. Collection method: clinical testing. Allele origin: germline. Affected: yes.
Comment: Has not been previously published as pathogenic or benign to our knowledge; Not observed at significant frequency in large population cohorts (gnomAD); In silico analysis supports that this missense variant has a deleterious effect on protein structure/function